The following is an entry in ClinVar:

NM_015202.5(KATNIP):c.2373del (p.Asp791fs)

Gene: KATNIP (katanin interacting protein; plus strand). Cytogenetic location: 16p12.1.
Variant type: Deletion.
Coding change: c.2373del on transcript NM_015202.5 (MANE Select); coding-DNA position 2373, one base deleted (C; older notation c.2373delC).
Protein change: p.Asp791fs; shifts the reading frame from aspartic acid 791.
Molecular consequence: frameshift variant.
Genome position (GRCh38, 1-based): chr16:27,740,670, C deleted. VCF-style (leftmost placement, unchanged base first): chr16-27740669-AC-A. GRCh37 (hg19) VCF-style: chr16-27751990-AC-A.
Other names: c.2373del (NM_015202.3); short protein forms D791fs.
Identifiers: ClinVar variation 1682058 (VCV001682058.14), dbSNP rs748450705, ClinGen allele CA7977947.
Genomic context (GRCh38, chr16:27,740,669, plus strand): 5'-CAAAACCCCTCTGGCTTAGTCCCGAGAAGCCCCTGGCCTGGAAGGGCAGGCTCCCATCAG[AC>A]GATGTCATCGGTGAGGGTCCTGGAGAGACCGAGGCCAGGGATAAAGGCCTACGGCATGAG-3'

ClinVar aggregate classification (germline): Pathogenic/Likely pathogenic. Review status: criteria provided, multiple submitters, no conflicts (2 of 4 stars). 5 submissions from 5 submitters: Pathogenic (2); Likely pathogenic (3). Last evaluated 2025-12-26.

Conditions:
KATNIP & KIAA0556-related disorders.
Joubert syndrome 26 (JBTS26). Identifiers: Orphanet 475, MedGen C4084843, MONDO:0014771, OMIM 616784.

Allele frequency attached by ClinVar (database versions not stated): TOPMed 0.00007; ESP Exome Variant Server 0.00008; gnomAD 0.00011 and 0.00012; gnomAD exomes 0.00012 and 0.00014; ExAC 0.00020.

Submissions (5):

First Genomix Gene Laboratory, Genetic Diagnostics Department
Classification: Pathogenic for Joubert syndrome 26. Last evaluated: 2025-12-26. Review status: criteria provided, single submitter. Criteria: ACMG Guidelines, 2015. Collection method: clinical testing. Allele origin: germline. Inheritance: Autosomal recessive inheritance. Affected: no. Observed: 1 variant allele.

Labcorp Genetics (formerly Invitae), Labcorp
Classification: Pathogenic. Last evaluated: 2025-12-15. Review status: criteria provided, single submitter. Criteria: Invitae Variant Classification Sherloc (09022015). Collection method: clinical testing. Allele origin: germline.
Comment: This sequence change creates a premature translational stop signal (p.Asp791Glufs*206) in the KIAA0556 gene. It is expected to result in an absent or disrupted protein product. Loss-of-function variants in KIAA0556 are known to be pathogenic (PMID: 26714646, 27245168). This variant is present in population databases (rs748450705, gnomAD 0.03%). This premature translational stop signal has been observed in individual(s) with hypothalamic hamartoma (PMID: 31197031). ClinVar contains an entry for this variant (Variation ID: 1682058). For these reasons, this variant has been classified as Pathogenic.

Laboratory of Genetics, Children's Clinical University Hospital Latvia
Classification: Likely pathogenic. Last evaluated: 2025-02-16. Review status: criteria provided, single submitter. Criteria: ACMG Guidelines, 2015. Collection method: clinical testing. Allele origin: germline. Affected: yes.

Blueprint Genetics
Classification: Likely pathogenic for KATNIP & KIAA0556-related disorders. Last evaluated: 2024-11-25. Review status: criteria provided, single submitter. Criteria: ACMG Guidelines, 2015. Collection method: clinical testing. Allele origin: germline. Affected: yes. Observed: 5 variant alleles.

GeneDx
Classification: Likely pathogenic. Last evaluated: 2024-10-31. Review status: criteria provided, single submitter. Criteria: GeneDx Variant Classification Process June 2021. Collection method: clinical testing. Allele origin: germline. Affected: yes.
Comment: Frameshift variant predicted to result in protein truncation or nonsense mediated decay in a gene for which loss of function is a known mechanism of disease; This variant is associated with the following publications: (PMID: 32164589, 31197031)

Literature cited by the submitters: PubMed 26714646 (cited by Labcorp Genetics (formerly Invitae), Labcorp); PubMed 27245168 (cited by Labcorp Genetics (formerly Invitae), Labcorp); PubMed 31197031 (cited by Labcorp Genetics (formerly Invitae), Labcorp).